The following is an entry in ClinVar:

ClinVar aggregate classification (germline): Uncertain significance (1 of 4 stars; one submission).

Allele frequency attached by ClinVar (database versions not stated): ExAC 0.00001.
gnomAD v4.1: 23 of 1,613,142 alleles (0.0014%); highest among the groups gnomAD compares: South Asian, 0.0022%; no homozygotes.

Submission:

Labcorp Genetics (formerly Invitae), Labcorp
Classification: Uncertain significance. Last evaluated: 2022-03-19. Review status: criteria provided, single submitter. Criteria: Invitae Variant Classification Sherloc (09022015). Collection method: clinical testing. Allele origin: germline.
Comment: This sequence change replaces glutamic acid, which is acidic and polar, with lysine, which is basic and polar, at codon 51 of the TYMP protein (p.Glu51Lys). The frequency data for this variant in the population databases is considered unreliable, as metrics indicate poor data quality at this position in the gnomAD database. This variant has not been reported in the literature in individuals affected with TYMP-related conditions. Advanced modeling of protein sequence and biophysical properties (such as structural, functional, and spatial information, amino acid conservation, physicochemical variation, residue mobility, and thermodynamic stability) performed at Invitae indicates that this missense variant is not expected to disrupt TYMP protein function. In summary, the available evidence is currently insufficient to determine the role of this variant in disease. Therefore, it has been classified as a Variant of Uncertain Significance.

NM_001953.5(TYMP):c.151G>A (p.Glu51Lys)

Gene: TYMP (thymidine phosphorylase; minus strand). Cytogenetic location: 22q13.33.
Variant type: single nucleotide variant.
Coding change: c.151G>A on transcript NM_001953.5 (MANE Select); coding-DNA position 151, G replaced by A.
Protein change: p.Glu51Lys; replaces glutamic acid 51 with lysine.
Molecular consequence: missense variant.
Genome position (GRCh38, 1-based): chr22:50,529,559, C>T on the plus strand (G>A on the coding strand, the complement: TYMP is on the minus strand). VCF-style: chr22-50529559-C-T. GRCh37 (hg19) VCF-style: chr22-50967988-C-T.
Other names: c.151G>A, p.Glu51Lys (NM_001113755.3, NM_001113756.3, NM_001257988.1 and 1 more transcripts); short protein forms E51K.
Identifiers: ClinVar variation 2151647 (VCV002151647.1), dbSNP rs768461642, ClinGen allele CA10321871.
Genomic context (GRCh38, chr22:50,529,559, plus strand): 5'-TCTGTGCGCCCTGCGCGCTCCCATTCACCACAGCGGCCACGAAGCCCCTGATGTCCGCTT[C>T]GCTCAGGCGGCCTCCGTCTCGCTTCATGCGGATCAGCTCCGGGAGCTGCTTGGGCTCTGG-3'
Protein context (NP_001944.1, residues 41-61): RMKRDGGRLS[Glu51Lys]ADIRGFVAAV